The following is an entry in ClinVar:

NM_000143.4(FH):c.875del (p.Lys292fs)

Gene: FH (fumarate hydratase; minus strand). Cytogenetic location: 1q43.
Variant type: Deletion.
Coding change: c.875del on transcript NM_000143.4 (MANE Select); coding-DNA position 875, one base deleted (A; older notation c.875delA).
Protein change: p.Lys292fs; shifts the reading frame from lysine 292.
Molecular consequence: frameshift variant.
Genome position (GRCh38, 1-based): chr1:241,506,032, T deleted on the plus strand (A on the coding strand, the reverse complement: FH is on the minus strand); the first of 4 consecutive T bases (chr1:241,506,032-241,506,035); deleting any one gives the same sequence. VCF-style (leftmost placement, unchanged base first): chr1-241506031-CT-C. GRCh37 (hg19) VCF-style: chr1-241669331-CT-C.
Other names: c.875delA (NM_000143.3); short protein forms K292fs.
Identifiers: ClinVar variation 3515089 (VCV003515089.1).

ClinVar aggregate classification (germline): Pathogenic (1 of 4 stars; one submission).

Conditions:
Hereditary cancer-predisposing syndrome. Also called: Tumor predisposition; Neoplastic Syndromes, Hereditary; Hereditary Cancer Syndrome; Hereditary neoplastic syndrome. Identifiers: Orphanet 140162, MedGen C0027672, MeSH D009386, MONDO:0015356.

Submission:

Ambry Genetics
Classification: Pathogenic for Hereditary cancer-predisposing syndrome. Last evaluated: 2024-08-15. Review status: criteria provided, single submitter. Criteria: Ambry Variant Classification Scheme 2023. Collection method: clinical testing. Allele origin: germline.
Comment: The c.875delA pathogenic mutation, located in coding exon 6 of the FH gene, results from a deletion of one nucleotide at nucleotide position 875, causing a translational frameshift with a predicted alternate stop codon (p.K292Rfs*37). This variant has been observed in at least one individual with a personal and/or family history that is consistent with hereditary leiomyomatosis and renal cell cancer (Ambry internal data). This variant is considered to be rare based on population cohorts in the Genome Aggregation Database (gnomAD). This alteration is expected to result in loss of function by premature protein truncation or nonsense-mediated mRNA decay. As such, this alteration is interpreted as a disease-causing mutation.